The following is an entry in ClinVar:

NM_015338.6(ASXL1):c.1865T>G (p.Leu622Arg)

Gene: ASXL1 (ASXL transcriptional regulator 1; plus strand). Cytogenetic location: 20q11.21.
Variant type: single nucleotide variant.
Coding change: c.1865T>G on transcript NM_015338.6 (MANE Select); coding-DNA position 1865, T replaced by G.
Protein change: p.Leu622Arg; replaces leucine 622 with arginine.
Molecular consequence: missense variant.
Genome position (GRCh38, 1-based): chr20:32,434,577, T>G. VCF-style: chr20-32434577-T-G. GRCh37 (hg19) VCF-style: chr20-31022380-T-G.
Other names: c.1682T>G, p.Leu561Arg (NM_001363734.1); short protein forms L561R, L622R.
Identifiers: ClinVar variation 4864584 (VCV004864584.1).

ClinVar aggregate classification (germline): Uncertain significance (1 of 4 stars; one submission).

Conditions:
Inborn genetic diseases. Identifiers: MedGen C0950123, MeSH D030342.

Submission:

Ambry Genetics
Classification: Uncertain significance for Inborn genetic diseases. Last evaluated: 2026-05-14. Review status: criteria provided, single submitter. Criteria: Ambry Variant Classification Scheme 2023. Collection method: clinical testing. Allele origin: germline.
Comment: The p.L622R variant (also known as c.1865T>G), located in coding exon 13 of the ASXL1 gene, results from a T to G substitution at nucleotide position 1865. The leucine at codon 622 is replaced by arginine, an amino acid with dissimilar properties. This amino acid position is conserved. In addition, this alteration is predicted to be tolerated by in silico analysis. Based on the available evidence, the clinical significance of this variant remains unclear.